The following is an entry in ClinVar:

ClinVar aggregate classification (germline): Conflicting classifications of pathogenicity. Review status: criteria provided, conflicting classifications (1 of 4 stars). 5 submissions from 5 submitters: Uncertain significance (3); Likely benign (1). 1 of the submissions does not count toward it. Last evaluated 2024-02-28.

Conditions:
Branchiootorenal syndrome 2 (BOR2). Identifiers: Orphanet 107, MedGen C1970479, MONDO:0012575, OMIM 610896.

Allele frequency attached by ClinVar (database versions not stated): ExAC 0.00003; gnomAD exomes 0.00003 and 0.00002; gnomAD 0.00004 and 0.00005; TOPMed 0.00005.
gnomAD v4.1: 55 of 1,589,262 alleles (0.0035%); highest among the groups gnomAD compares: Middle Eastern, 0.017%; no homozygotes.

Submissions (5):

Blueprint Genetics
Classification: Uncertain significance. Last evaluated: 2024-02-28. Review status: criteria provided, single submitter. Criteria: ACMG Guidelines, 2015. Collection method: clinical testing. Allele origin: germline.

Ambry Genetics
Classification: Uncertain significance. Last evaluated: 2023-10-05. Review status: criteria provided, single submitter. Criteria: Ambry Variant Classification Scheme 2023. Collection method: clinical testing. Allele origin: germline.

GeneDx
Classification: Likely benign. Last evaluated: 2022-08-30. Review status: criteria provided, single submitter. Criteria: GeneDx Variant Classification Process June 2021. Collection method: clinical testing. Allele origin: germline. Affected: yes.
Comment: See Variant Classification Assertion Criteria.

Fulgent Genetics
Classification: Uncertain significance for Branchiootorenal syndrome 2. Last evaluated: 2021-09-20. Review status: criteria provided, single submitter. Criteria: ACMG Guidelines, 2015. Collection method: clinical testing. Allele origin: unknown.

Bioscientia Institut fuer Medizinische Diagnostik GmbH, Sonic Healthcare
Classification: Uncertain significance for Branchiootorenal syndrome 2. Last evaluated: 2019-06-03. Review status: no assertion criteria provided. Collection method: clinical testing. Allele origin: germline. Affected: yes. Not counted in ClinVar's aggregate classification.

NM_175875.5(SIX5):c.1802C>T (p.Pro601Leu)

Gene: SIX5 (SIX homeobox 5; minus strand). Cytogenetic location: 19q13.32.
Variant type: single nucleotide variant.
Coding change: c.1802C>T on transcript NM_175875.5 (MANE Select); coding-DNA position 1802, C replaced by T.
Protein change: p.Pro601Leu; replaces proline 601 with leucine.
Molecular consequence: missense variant.
Genome position (GRCh38, 1-based): chr19:45,765,919, G>A on the plus strand (C>T on the coding strand, the complement: SIX5 is on the minus strand). VCF-style: chr19-45765919-G-A. GRCh37 (hg19) VCF-style: chr19-46269177-G-A.
Other names: short protein forms P601L.
Identifiers: ClinVar variation 829852 (VCV000829852.6), dbSNP rs768981892, ClinGen allele CA9520501.
Genomic context (GRCh38, chr19:45,765,919, plus strand): 5'-TGCTGTGCAGAAAGGGTGCCTAGGGCGTGAGCCTCTGGGAGAGCAGGGCTGGGGGCCACC[G>A]GGAGGCCTCCCTCAGGCACGGAGATGGCCGTCTCTGGCTTCAGTGGCAGGGCCAGGCCGG-3'
Protein context (NP_787071.3, residues 591-611): TAISVPEGGL[Pro601Leu]VAPSPALPEA